The following is an entry in ClinVar:

ClinVar aggregate classification (germline): Uncertain significance. Review status: criteria provided, multiple submitters, no conflicts (2 of 4 stars). 2 submissions from 2 submitters: Uncertain significance (2). Last evaluated 2022-01-13.

Conditions:
Progressive myoclonic epilepsy type 7. Identifiers: Orphanet 435438, MedGen C4015420, MONDO:0014521, OMIM 616187.

Allele frequency attached by ClinVar (database versions not stated): gnomAD exomes below 0.00001.

Submissions (2):

GeneDx
Classification: Uncertain significance. Last evaluated: 2022-01-13. Review status: criteria provided, single submitter. Criteria: GeneDx Variant Classification Process June 2021. Collection method: clinical testing. Allele origin: germline. Affected: yes.
Comment: Not observed at significant frequency in large population cohorts (gnomAD); In silico analysis supports that this missense variant has a deleterious effect on protein structure/function; Has not been previously published as pathogenic or benign to our knowledge

Labcorp Genetics (formerly Invitae), Labcorp
Classification: Uncertain significance for Progressive myoclonic epilepsy type 7. Last evaluated: 2017-12-24. Review status: criteria provided, single submitter. Criteria: Invitae Variant Classification Sherloc (09022015). Collection method: clinical testing. Allele origin: germline.
Comment: In summary, the available evidence is currently insufficient to determine the role of this variant in disease. Therefore, it has been classified as a Variant of Uncertain Significance. Algorithms developed to predict the effect of missense changes on protein structure and function do not agree on the potential impact of this missense change (SIFT: "Deleterious"; PolyPhen-2: "Probably Damaging"; Align-GVGD: "Class C0"). This variant has not been reported in the literature in individuals with KCNC1-related disease. This variant is not present in population databases (ExAC no frequency). This sequence change replaces threonine with methionine at codon 231 of the KCNC1 protein (p.Thr231Met). The threonine residue is highly conserved and there is a moderate physicochemical difference between threonine and methionine.

NM_001112741.2(KCNC1):c.692C>T (p.Thr231Met)

Gene: KCNC1 (potassium voltage-gated channel subfamily C member 1; plus strand). Cytogenetic location: 11p15.1.
Variant type: single nucleotide variant.
Coding change: c.692C>T on transcript NM_001112741.2 (MANE Select); coding-DNA position 692, C replaced by T.
Protein change: p.Thr231Met; replaces threonine 231 with methionine.
Molecular consequence: missense variant.
Genome position (GRCh38, 1-based): chr11:17,771,786, C>T. VCF-style: chr11-17771786-C-T. GRCh37 (hg19) VCF-style: chr11-17793333-C-T.
Other names: c.692C>T, p.Thr231Met (NM_004976.4); short protein forms T231M.
Identifiers: ClinVar variation 542103 (VCV000542103.10), dbSNP rs1554991314, ClinGen allele CA379805813.